The following is an entry in ClinVar:

NM_001195263.2(PDZD7):c.1115C>A (p.Thr372Lys)

Gene: PDZD7 (PDZ domain containing 7; minus strand). Cytogenetic location: 10q24.31.
Variant type: single nucleotide variant.
Coding change: c.1115C>A on transcript NM_001195263.2 (MANE Select); coding-DNA position 1115, C replaced by A.
Protein change: p.Thr372Lys; replaces threonine 372 with lysine.
Molecular consequence: missense variant.
Genome position (GRCh38, 1-based): chr10:101,019,031, G>T on the plus strand (C>A on the coding strand, the complement: PDZD7 is on the minus strand). VCF-style: chr10-101019031-G-T. GRCh37 (hg19) VCF-style: chr10-102778788-G-T.
Other names: c.1115C>A, p.Thr372Lys (NM_001351044.2, NM_024895.5); short protein forms T372K.
Identifiers: ClinVar variation 929915 (VCV000929915.17), dbSNP rs377765391, ClinGen allele CA5654157.

ClinVar aggregate classification (germline): Conflicting classifications of pathogenicity. Review status: criteria provided, conflicting classifications (1 of 4 stars). 6 submissions from 6 submitters: Uncertain significance (4); Likely benign (2). Last evaluated 2025-09-10.

Conditions:
Inborn genetic diseases. Identifiers: MedGen C0950123, MeSH D030342.
PDZD7-related disorder. Also called: PDZD7-related disorders; PDZD7-related condition.

Allele frequency attached by ClinVar (database versions not stated): 1000 Genomes Project 30x 0.00016; ESP Exome Variant Server 0.00032; TOPMed 0.00048.
gnomAD v4.1: 170 of 1,573,516 alleles (0.011%); highest among the groups gnomAD compares: African/African-American, 0.19%; 1 homozygote.

Submissions (6):

GeneDx
Classification: Uncertain significance. Last evaluated: 2025-09-10. Review status: criteria provided, single submitter. Criteria: GeneDx Variant Classification Process June 2021. Collection method: clinical testing. Allele origin: germline. Affected: yes.
Comment: In silico analysis supports that this missense variant has a deleterious effect on protein structure/function; Has not been previously published as pathogenic or benign to our knowledge

PreventionGenetics, part of Exact Sciences
Classification: Likely benign for PDZD7-related condition. Last evaluated: 2025-01-23. Review status: criteria provided, single submitter. Criteria: ACMG Guidelines, 2015. Collection method: clinical testing. Allele origin: germline.
Comment: This variant is classified as likely benign based on ACMG/AMP sequence variant interpretation guidelines (Richards et al. 2015 PMID: 25741868, with internal and published modifications).

Blueprint Genetics
Classification: Likely benign. Last evaluated: 2023-12-27. Review status: criteria provided, single submitter. Criteria: ACMG Guidelines, 2015. Collection method: clinical testing. Allele origin: germline.

Labcorp Genetics (formerly Invitae), Labcorp
Classification: Uncertain significance. Last evaluated: 2023-11-06. Review status: criteria provided, single submitter. Criteria: Invitae Variant Classification Sherloc (09022015). Collection method: clinical testing. Allele origin: germline.
Comment: This sequence change replaces threonine, which is neutral and polar, with lysine, which is basic and polar, at codon 372 of the PDZD7 protein (p.Thr372Lys). This variant is present in population databases (rs377765391, gnomAD 0.2%). This variant has not been reported in the literature in individuals affected with PDZD7-related conditions. ClinVar contains an entry for this variant (Variation ID: 929915). Advanced modeling of protein sequence and biophysical properties (such as structural, functional, and spatial information, amino acid conservation, physicochemical variation, residue mobility, and thermodynamic stability) has been performed at Invitae for this missense variant, however the output from this modeling did not meet the statistical confidence thresholds required to predict the impact of this variant on PDZD7 protein function. In summary, the available evidence is currently insufficient to determine the role of this variant in disease. Therefore, it has been classified as a Variant of Uncertain Significance.

Ambry Genetics
Classification: Uncertain significance for Inborn genetic diseases. Last evaluated: 2021-08-30. Review status: criteria provided, single submitter. Criteria: Ambry Variant Classification Scheme 2023. Collection method: clinical testing. Allele origin: germline.

Laboratory for Molecular Medicine, Mass General Brigham Personalized Medicine
Classification: Uncertain significance. Last evaluated: 2019-05-22. Review status: criteria provided, single submitter. Criteria: LMM Criteria. Collection method: clinical testing. Allele origin: germline. Observed: 1 variant allele.
Comment: The p.Thr372Lys variant in PDZD7 has not been previously reported in individuals with hearing loss but has been identified in 0.17% (33/18472) of African chromosomes by chromosomes by gnomAD. Computational prediction tools and conservation analysis do not provide strong support for or against an impact to the protein. In summary, the clinical significance of this variant is uncertain. ACMG/AMP Criteria applied: BS1_Supporting.